The following is an entry in ClinVar:

ClinVar aggregate classification (germline): Conflicting classifications of pathogenicity. Review status: criteria provided, conflicting classifications (1 of 4 stars). 13 submissions from 12 submitters: Uncertain significance (2); Benign (1); Likely benign (9). 1 of the submissions does not count toward it. Last evaluated 2026-08-01.

Conditions:
Autosomal dominant cerebellar ataxia. Also called: Spinocerebellar Ataxia, Dominant. Identifiers: Orphanet 99, MedGen C4087347, MONDO:0020380.
DYNC1H1-related disorder. Also called: DYNC1H1-related condition; DYNC1H1-related disorders. Identifiers: MedGen CN381529.
Inborn genetic diseases. Identifiers: MedGen C0950123, MeSH D030342.
Charcot-Marie-Tooth disease. Also called: Charcot-Marie-Tooth Hereditary Neuropathy; Charcot-Marie-Tooth Neuropathy. Identifiers: Orphanet 166, MedGen C0007959, MONDO:0015626.
Charcot-Marie-Tooth disease axonal type 2O. Also called: CHARCOT-MARIE-TOOTH NEUROPATHY, AXONAL, TYPE 2O; CHARCOT-MARIE-TOOTH DISEASE, AXONAL, AUTOSOMAL DOMINANT, TYPE 2O; Charcot-Marie-Tooth disease, axonal, type 20; Charcot-Marie-Tooth Neuropathy Type 2O. Identifiers: Orphanet 284232, MedGen C3280220, MONDO:0013644, OMIM 614228.

Allele frequency attached by ClinVar (database versions not stated): ExAC 0.00013; TOPMed 0.00015; 1000 Genomes Project 30x 0.00016; gnomAD 0.00016 and 0.00017; 1000 Genomes Project 0.00020; gnomAD exomes 0.00020 and 0.00037; ESP Exome Variant Server 0.00038.
gnomAD v4.1: 555 of 1,614,212 alleles (0.034%); highest among the groups gnomAD compares: Non-Finnish European, 0.045%; no homozygotes.

Submissions (13):

CeGaT Center for Human Genetics Tuebingen
Classification: Likely benign. Last evaluated: 2026-08-01. Review status: criteria provided, single submitter. Criteria: CeGaT Center For Human Genetics Tuebingen Variant Classification Criteria Version 2. Collection method: clinical testing. Allele origin: germline. Affected: yes. Observed: 4 variant alleles.
Comment: DYNC1H1: BP4, BP7

Labcorp Genetics (formerly Invitae), Labcorp
Classification: Likely benign for Charcot-Marie-Tooth disease axonal type 2O. Last evaluated: 2026-01-26. Review status: criteria provided, single submitter. Criteria: Invitae Variant Classification Sherloc (09022015). Collection method: clinical testing. Allele origin: germline.

Mayo Clinic Laboratories, Mayo Clinic
Classification: Likely benign. Last evaluated: 2025-08-25. Review status: criteria provided, single submitter. Criteria: ACMG Guidelines, 2015. Collection method: clinical testing. Allele origin: germline. Observed: 4 variant alleles.
Comment: BS2, BP4, BP7

Blueprint Genetics
Classification: Likely benign. Last evaluated: 2024-11-18. Review status: criteria provided, single submitter. Criteria: ACMG Guidelines, 2015. Collection method: clinical testing. Allele origin: germline.

ARUP Laboratories, Molecular Genetics and Genomics, ARUP Laboratories
Classification: Likely benign. Last evaluated: 2023-03-28. Review status: criteria provided, single submitter. Criteria: ARUP Molecular Germline Variant Investigation Process 2024. Collection method: clinical testing. Allele origin: germline.

GeneDx
Classification: Likely benign. Last evaluated: 2021-02-01. Review status: criteria provided, single submitter. Criteria: GeneDx Variant Classification Process June 2021. Collection method: clinical testing. Allele origin: germline. Affected: yes.

Genetic Services Laboratory, University of Chicago
Classification: Benign. Last evaluated: 2018-03-13. Review status: criteria provided, single submitter. Criteria: ACMG Guidelines, 2015. Collection method: clinical testing. Allele origin: germline. Affected: no.

Illumina Laboratory Services, Illumina
Classification: Likely benign for Spinocerebellar Ataxia, Dominant. Last evaluated: 2018-01-13. Review status: criteria provided, single submitter. Criteria: ICSL Variant Classification Criteria 13 December 2019. Collection method: clinical testing. Allele origin: germline.
Comment: This variant was observed in the ICSL laboratory as part of a predisposition screen in an ostensibly healthy population. It had not been previously curated by ICSL or reported in the Human Gene Mutation Database (HGMD: prior to June 1st, 2018), and was therefore a candidate for classification through an automated scoring system. Utilizing variant allele frequency, disease prevalence and penetrance estimates, and inheritance mode, an automated score was calculated to assess if this variant is too frequent to cause the disease. Based on the score and internal cut-off values, a variant classified as likely benign is not then subjected to further curation. The score for this variant resulted in a classification of likely benign for this disease.

Illumina Laboratory Services, Illumina
Classification: Uncertain significance for Charcot-Marie-Tooth disease axonal type 2O. Last evaluated: 2018-01-13. Review status: criteria provided, single submitter. Criteria: ICSL Variant Classification Criteria 13 December 2019. Collection method: clinical testing. Allele origin: germline.

Ambry Genetics
Classification: Likely benign for Inborn genetic diseases. Last evaluated: 2017-06-29. Review status: criteria provided, single submitter. Criteria: Ambry Variant Classification Scheme 2023. Collection method: clinical testing. Allele origin: germline.

Eurofins Ntd Llc (ga)
Classification: Uncertain significance. Last evaluated: 2015-04-03. Review status: criteria provided, single submitter. Criteria: EGL Classification Definitions 2015. Collection method: clinical testing. Allele origin: germline. Observed: 2 variant alleles, 2 heterozygotes.

Molecular Genetics Laboratory, London Health Sciences Centre
Classification: Likely benign for Charcot-Marie-Tooth disease. Review status: criteria provided, single submitter. Criteria: ACMG Guidelines, 2015. Collection method: clinical testing. Allele origin: germline. Affected: yes.

PreventionGenetics, part of Exact Sciences
Classification: Likely benign for DYNC1H1-related condition. Last evaluated: 2023-04-13. Review status: no assertion criteria provided. Collection method: clinical testing. Allele origin: germline. Not counted in ClinVar's aggregate classification.
Comment: This variant is classified as likely benign based on ACMG/AMP sequence variant interpretation guidelines (Richards et al. 2015 PMID: 25741868, with internal and published modifications).

NM_001376.5(DYNC1H1):c.8478A>G (p.Ala2826=)

Gene: DYNC1H1 (dynein cytoplasmic 1 heavy chain 1; plus strand). Cytogenetic location: 14q32.31.
Variant type: single nucleotide variant.
Coding change: c.8478A>G on transcript NM_001376.5 (MANE Select); coding-DNA position 8478, A replaced by G.
Protein change: p.Ala2826=; no amino-acid change (alanine 2826 retained).
Molecular consequence: synonymous variant.
Genome position (GRCh38, 1-based): chr14:102,020,027, A>G. VCF-style: chr14-102020027-A-G. GRCh37 (hg19) VCF-style: chr14-102486364-A-G.
Other names: p.Ala2826=.
Identifiers: ClinVar variation 197458 (VCV000197458.52), dbSNP rs117846737, ClinGen allele CA245619.